The following is an entry in ClinVar:

ClinVar aggregate classification (germline): Likely benign. Review status: criteria provided, multiple submitters, no conflicts (2 of 4 stars). 4 submissions from 4 submitters: Likely benign (3). 1 of the submissions does not count toward it. Last evaluated 2026-01-21.

Conditions:
Ehlers-Danlos syndrome, dermatosparaxis type. Also called: Ehlers-Danlos syndrome, type VII, autosomal recessive; Dermatosparaxis; EDS VIIC. Identifiers: Orphanet 1901, MedGen C2700425, MONDO:0009161, OMIM 225410.

Allele frequency attached by ClinVar (database versions not stated): TOPMed 0.00004; gnomAD 0.00006 and 0.00009; gnomAD exomes 0.00008 and 0.00010; ExAC 0.00009; ESP Exome Variant Server 0.00015; 1000 Genomes Project 0.00040; 1000 Genomes Project 30x 0.00047.
gnomAD v4.1: 125 of 1,612,880 alleles (0.0078%); highest among the groups gnomAD compares: South Asian, 0.049%; no homozygotes.

Submissions (4):

Labcorp Genetics (formerly Invitae), Labcorp
Classification: Likely benign for Ehlers-Danlos syndrome, dermatosparaxis type. Last evaluated: 2026-01-21. Review status: criteria provided, single submitter. Criteria: Invitae Variant Classification Sherloc (09022015). Collection method: clinical testing. Allele origin: germline.

Mayo Clinic Laboratories, Mayo Clinic
Classification: Likely benign. Last evaluated: 2025-08-14. Review status: criteria provided, single submitter. Criteria: ACMG Guidelines, 2015. Collection method: clinical testing. Allele origin: germline. Observed: 1 variant allele.
Comment: BP4, BP7

Women's Health and Genetics/Laboratory Corporation of America, LabCorp
Classification: Likely benign. Last evaluated: 2025-03-14. Review status: criteria provided, single submitter. Criteria: LabCorp Variant Classification Summary - May 2015. Collection method: clinical testing. Allele origin: germline.

Natera, Inc.
Classification: Likely benign for Ehlers-Danlos syndrome type VIIC. Last evaluated: 2019-10-24. Review status: no assertion criteria provided. Collection method: clinical testing. Allele origin: germline. Not counted in ClinVar's aggregate classification.

NM_014244.5(ADAMTS2):c.723C>T (p.Arg241=)

Gene: ADAMTS2 (ADAM metallopeptidase with thrombospondin type 1 motif 2; minus strand). Cytogenetic location: 5q35.3.
Variant type: single nucleotide variant.
Coding change: c.723C>T on transcript NM_014244.5 (MANE Select); coding-DNA position 723, C replaced by T.
Protein change: p.Arg241=; no amino-acid change (arginine 241 retained).
Molecular consequence: synonymous variant.
Genome position (GRCh38, 1-based): chr5:179,207,681, G>A on the plus strand (C>T on the coding strand, the complement: ADAMTS2 is on the minus strand). VCF-style: chr5-179207681-G-A. GRCh37 (hg19) VCF-style: chr5-178634682-G-A.
Other names: p.Arg241=; c.723C>T, p.Arg241= (NM_021599.4).
Identifiers: ClinVar variation 1146405 (VCV001146405.14), dbSNP rs373732340, ClinGen allele CA3596190.